The following is an entry in ClinVar:

ClinVar aggregate classification (germline): Pathogenic (1 of 4 stars; one submission).

Conditions:
Hereditary cancer-predisposing syndrome. Also called: Neoplastic Syndromes, Hereditary; Tumor predisposition; Hereditary Cancer Syndrome; Hereditary neoplastic syndrome. Identifiers: Orphanet 140162, MedGen C0027672, MeSH D009386, MONDO:0015356.

Submission:

Ambry Genetics
Classification: Pathogenic for Hereditary cancer-predisposing syndrome. Last evaluated: 2020-10-26. Review status: criteria provided, single submitter. Criteria: Ambry Variant Classification Scheme 2023. Collection method: clinical testing. Allele origin: germline.
Comment: The c.1612delT pathogenic mutation, located in coding exon 4 of the MSH6 gene, results from a deletion of one nucleotide at nucleotide position 1612, causing a translational frameshift with a predicted alternate stop codon (p.Y538Ifs*33). This alteration is expected to result in loss of function by premature protein truncation or nonsense-mediated mRNA decay. As such, this alteration is interpreted as a disease-causing mutation.

NM_000179.3(MSH6):c.1612del (p.Tyr538fs)

Gene: MSH6 (mutS homolog 6; plus strand). Cytogenetic location: 2p16.3.
Variant type: Deletion.
Coding change: c.1612del on transcript NM_000179.3 (MANE Select); coding-DNA position 1612, one base deleted (T; older notation c.1612delT).
Protein change: p.Tyr538fs; shifts the reading frame from tyrosine 538.
Molecular consequence: frameshift variant.
Genome position (GRCh38, 1-based): chr2:47,799,595, T deleted. VCF-style (leftmost placement, unchanged base first): chr2-47799594-GT-G. GRCh37 (hg19) VCF-style: chr2-48026733-GT-G.
Other names: c.706delT, p.Tyr236Ilefs (NM_001406829.1, NM_001406811.1, NM_001406812.1 and 4 more transcripts); c.1315delT, p.Tyr439Ilefs (NM_001406830.1, NM_001406797.1, NM_001406801.1 and 10 more transcripts); c.1222del, p.Tyr408fs (NM_001281492.2); c.706del, p.Tyr236fs (NM_001281493.2, NM_001281494.2); c.1708delT, p.Tyr570Ilefs (NM_001406795.1, NM_001406802.1); c.1612delT, p.Tyr538Ilefs (NM_001406796.1, NM_001406798.1, NM_001406800.1 and 3 more transcripts); c.1087delT, p.Tyr363Ilefs (NM_001406799.1, NM_001406806.1, NM_001406807.1); c.1534delT, p.Tyr512Ilefs (NM_001406804.1); and 2 more; short protein forms Y408fs, Y236fs, Y538fs.
Identifiers: ClinVar variation 1776422 (VCV001776422.2), dbSNP rs2530619826, ClinGen allele CA2580067658.